The following is an entry in ClinVar:

ClinVar aggregate classification (germline): Uncertain significance. Review status: criteria provided, multiple submitters, no conflicts (2 of 4 stars). 2 submissions from 2 submitters: Uncertain significance (2). Last evaluated 2023-10-10.

Conditions:
Cardiovascular phenotype. Identifiers: MedGen CN230736.
Walker-Warburg congenital muscular dystrophy. Also called: Walker-Warburg syndrome; Muscular dystrophy-dystroglycanopathy, type A. Identifiers: Orphanet 899, MedGen C0265221, MONDO:0000171.

Submissions (2):

Ambry Genetics
Classification: Uncertain significance for Cardiovascular phenotype. Last evaluated: 2023-10-10. Review status: criteria provided, single submitter. Criteria: Ambry Variant Classification Scheme 2023. Collection method: clinical testing. Allele origin: germline.
Comment: The p.F240L variant (also known as c.718T>C), located in coding exon 1 of the FKRP gene, results from a T to C substitution at nucleotide position 718. The phenylalanine at codon 240 is replaced by leucine, an amino acid with highly similar properties. This amino acid position is conserved. In addition, the in silico prediction for this alteration is inconclusive. Since supporting evidence is limited at this time, the clinical significance of this alteration remains unclear.

Labcorp Genetics (formerly Invitae), Labcorp
Classification: Uncertain significance for Walker-Warburg congenital muscular dystrophy. Last evaluated: 2021-07-09. Review status: criteria provided, single submitter. Criteria: Invitae Variant Classification Sherloc (09022015). Collection method: clinical testing. Allele origin: germline.
Comment: In summary, the available evidence is currently insufficient to determine the role of this variant in disease. Therefore, it has been classified as a Variant of Uncertain Significance. Algorithms developed to predict the effect of missense changes on protein structure and function are either unavailable or do not agree on the potential impact of this missense change (SIFT: "Deleterious"; PolyPhen-2: "Benign"; Align-GVGD: "Class C0"). This variant has not been reported in the literature in individuals affected with FKRP-related conditions. The frequency data for this variant in the population databases is considered unreliable, as metrics indicate insufficient coverage at this position in the ExAC database. This sequence change replaces phenylalanine with leucine at codon 240 of the FKRP protein (p.Phe240Leu). The phenylalanine residue is highly conserved and there is a small physicochemical difference between phenylalanine and leucine.

NM_024301.5(FKRP):c.718T>C (p.Phe240Leu)

Gene: FKRP (fukutin related protein; plus strand). Cytogenetic location: 19q13.32.
Variant type: single nucleotide variant.
Coding change: c.718T>C on transcript NM_024301.5 (MANE Select); coding-DNA position 718, T replaced by C.
Protein change: p.Phe240Leu; replaces phenylalanine 240 with leucine.
Molecular consequence: missense variant.
Genome position (GRCh38, 1-based): chr19:46,756,168, T>C. VCF-style: chr19-46756168-T-C. GRCh37 (hg19) VCF-style: chr19-47259425-T-C.
Other names: c.718T>C, p.Phe240Leu (NM_001039885.3); c.718T>C (NM_024301.4); short protein forms F240L.
Identifiers: ClinVar variation 1426266 (VCV001426266.9), dbSNP rs2122621908, ClinGen allele CA406495876.